The following is an entry in ClinVar:

ClinVar aggregate classification (germline): Conflicting classifications of pathogenicity. Review status: criteria provided, conflicting classifications (1 of 4 stars). 8 submissions from 8 submitters: Uncertain significance (1); Benign (1); Likely benign (6). Last evaluated 2025-08-01.

Conditions:
Hereditary cancer-predisposing syndrome. Also called: Tumor predisposition; Hereditary Cancer Syndrome; Neoplastic Syndromes, Hereditary; Hereditary neoplastic syndrome. Identifiers: Orphanet 140162, MedGen C0027672, MeSH D009386, MONDO:0015356.
Lynch syndrome. Identifiers: Orphanet 144, MedGen C4552100, MONDO:0005835. Disease mechanism: loss of function.
Hereditary nonpolyposis colorectal neoplasms. Identifiers: MedGen C0009405, MeSH D003123.
Lynch syndrome 5 (LYNCH5). Also called: Hereditary non-polyposis colorectal cancer, type 5; Colorectal cancer, hereditary nonpolyposis, type 5. Identifiers: Orphanet 144, MedGen C1833477, MONDO:0013710, OMIM 614350. Disease mechanism: loss of function.

Allele frequency attached by ClinVar (database versions not stated): ExAC 0.00003.

Submissions (8):

CeGaT Center for Human Genetics Tuebingen
Classification: Likely benign. Last evaluated: 2025-08-01. Review status: criteria provided, single submitter. Criteria: CeGaT Center For Human Genetics Tuebingen Variant Classification Criteria Version 2. Collection method: clinical testing. Allele origin: germline. Affected: yes. Observed: 1 variant allele.
Comment: MSH6: BP4, BP7

Center for Genomic Medicine, Rigshospitalet, Copenhagen University Hospital
Classification: Likely benign. Last evaluated: 2025-03-04. Review status: criteria provided, single submitter. Criteria: ACMG Guidelines, 2015. Collection method: clinical testing. Allele origin: germline.

Myriad Genetics, Inc.
Classification: Benign for Lynch syndrome 5. Last evaluated: 2025-01-08. Review status: criteria provided, single submitter. Criteria: Myriad Autosomal Dominant, Autosomal Recessive and X-Linked Classification Criteria (2023). Collection method: clinical testing. Allele origin: unknown.
Comment: This variant is considered benign. This variant is a silent/synonymous amino acid change and it is not expected to impact splicing.

Labcorp Genetics (formerly Invitae), Labcorp
Classification: Likely benign for Hereditary nonpolyposis colorectal neoplasms. Last evaluated: 2024-10-16. Review status: criteria provided, single submitter. Criteria: Invitae Variant Classification Sherloc (09022015). Collection method: clinical testing. Allele origin: germline.

All of Us Research Program, National Institutes of Health
Classification: Likely benign for Lynch syndrome. Last evaluated: 2024-03-24. Review status: criteria provided, single submitter. Criteria: ACMG Guidelines, 2015. Collection method: clinical testing. Allele origin: germline. Inheritance: Autosomal dominant inheritance. Observed: 1 variant allele, 1 heterozygote.
Comment: This study involves interpretation of variants in research participants for the purpose of population health screening. Participant phenotype was not available at the time of variant classification. Additional details can be found in publication PMID: 35346344, PMCID: PMC8962531

Color Diagnostics, LLC DBA Color Health
Classification: Likely benign for Hereditary cancer-predisposing syndrome. Last evaluated: 2017-08-31. Review status: criteria provided, single submitter. Criteria: ACMG Guidelines, 2015. Collection method: clinical testing. Allele origin: germline.

Ambry Genetics
Classification: Likely benign for Hereditary cancer-predisposing syndrome. Last evaluated: 2016-11-15. Review status: criteria provided, single submitter. Criteria: Ambry Variant Classification Scheme 2023. Collection method: clinical testing. Allele origin: germline.

GeneDx
Classification: Uncertain significance. Last evaluated: 2016-06-10. Review status: criteria provided, single submitter. Criteria: GeneDx Variant Classification (06012015). Collection method: clinical testing. Allele origin: germline. Affected: yes.
Comment: This variant is denoted MSH6 c.3988C>T at the DNA level. This variant is silent at the coding level, preserving a Leucine at codon 1330. In silico splicing models are uninformative. This variant has not, to our knowledge, been published in the literature as being pathogenic or benign. MSH6 c.3988C>T was not observed in approximately 6,500 individuals of European and African American ancestry in the NHLBI Exome Sequencing Project, indicating it is not a common benign variant in these populations. The nucleotide which is altered, a cytosine (C) at base 3988, is not conserved. Based on currently available information, it is unclear whether MSH6 c.3988C>T is a pathogenic or benign variant. We consider it to be a variant of uncertain significance.

NM_000179.3(MSH6):c.3988C>T (p.Leu1330=)

Gene: MSH6 (mutS homolog 6; plus strand). Cytogenetic location: 2p16.3.
Variant type: single nucleotide variant.
Coding change: c.3988C>T on transcript NM_000179.3 (MANE Select); coding-DNA position 3988, C replaced by T.
Protein change: p.Leu1330=; no amino-acid change (leucine 1330 retained).
Molecular consequence: synonymous variant.
Genome position (GRCh38, 1-based): chr2:47,806,638, C>T. VCF-style: chr2-47806638-C-T. GRCh37 (hg19) VCF-style: chr2-48033777-C-T.
Other names: c.3598C>T, p.Leu1200= (NM_001281492.2); c.3082C>T, p.Leu1028= (NM_001281493.2, NM_001281494.2).
Identifiers: ClinVar variation 237204 (VCV000237204.27), dbSNP rs768944975, ClinGen allele CA072445.
Genomic context (GRCh38, chr2:47,806,638, plus strand): 5'-GAGGAAGTTATTCAAAAGGGACATAGAAAAGCAAGAGAATTTGAGAAGATGAATCAGTCA[C>T]TACGATTATTTCGGTAACTAACTAACTATAATGGAATTATAACTAACTGACCTTAAGTTT-3'
Protein context (NP_000170.1, residues 1320-1340): AREFEKMNQS[Leu1330=]RLFREVCLAS